The following is an entry in ClinVar:

ClinVar aggregate classification (germline): Uncertain significance (1 of 4 stars; one submission).

Submission:

Labcorp Genetics (formerly Invitae), Labcorp
Classification: Uncertain significance. Last evaluated: 2025-11-09. Review status: criteria provided, single submitter. Criteria: Invitae Variant Classification Sherloc (09022015). Collection method: clinical testing. Allele origin: germline.
Comment: This sequence change replaces arginine, which is basic and polar, with proline, which is neutral and non-polar, at codon 18 of the PDE8B protein (p.Arg18Pro). This variant is not present in population databases (gnomAD no frequency). This variant has not been reported in the literature in individuals affected with PDE8B-related conditions. An algorithm developed to predict the effect of missense changes on protein structure and function (PolyPhen-2) suggests that this variant is likely to be disruptive. In summary, the available evidence is currently insufficient to determine the role of this variant in disease. Therefore, it has been classified as a Variant of Uncertain Significance.

NM_003719.5(PDE8B):c.53G>C (p.Arg18Pro)

Gene: PDE8B (phosphodiesterase 8B; plus strand). Cytogenetic location: 5q13.3.
Variant type: single nucleotide variant.
Coding change: c.53G>C on transcript NM_003719.5 (MANE Select); coding-DNA position 53, G replaced by C.
Protein change: p.Arg18Pro; replaces arginine 18 with proline.
Molecular consequence: missense variant. On other transcripts: 5 prime UTR variant (1), intron variant (15).
Genome position (GRCh38, 1-based): chr5:77,210,978, G>C. VCF-style: chr5-77210978-G-C. GRCh37 (hg19) VCF-style: chr5-76506803-G-C.
Other names: c.53G>C, p.Arg18Pro (NM_001029851.4, NM_001029852.4, NM_001029853.4 and 7 more transcripts); c.-317G>C (NM_001349753.2); c.-34+92457G>C (NM_001414622.1, NM_001414623.1); c.36+30492G>C (NM_001349750.3, NM_001376069.1, NM_001376062.1 and 7 more transcripts); c.-34+932G>C (NM_001376067.1, NM_001376075.1); c.-31+932G>C (NM_001376068.1); short protein forms R18P.
Identifiers: ClinVar variation 4730784 (VCV004730784.1).